The following is an entry in ClinVar:

ClinVar aggregate classification (germline): Uncertain significance. Review status: criteria provided, multiple submitters, no conflicts (2 of 4 stars). 2 submissions from 2 submitters: Uncertain significance (2). Last evaluated 2024-06-06.

Conditions:
Hereditary cancer-predisposing syndrome. Also called: Hereditary neoplastic syndrome; Tumor predisposition; Neoplastic Syndromes, Hereditary; Hereditary Cancer Syndrome. Identifiers: Orphanet 140162, MedGen C0027672, MeSH D009386, MONDO:0015356.
Fanconi anemia complementation group J. Also called: BRIP1-Related Fanconi Anemia. Identifiers: Orphanet 84, MedGen C1836860, MONDO:0012187, OMIM 609054.
Familial cancer of breast. Also called: hereditary breast carcinoma; BREAST CANCER, FAMILIAL; Hereditary breast cancer. Identifiers: Orphanet 227535, MedGen C0346153, MONDO:0016419, OMIM 114480. Disease mechanism: loss of function.

Allele frequency attached by ClinVar (database versions not stated): gnomAD exomes below 0.00001.
gnomAD v4.1: 1 of 1,613,544 alleles (0.000062%); highest among the groups gnomAD compares: Non-Finnish European, 0.000085%; no homozygotes.

Submissions (2):

Labcorp Genetics (formerly Invitae), Labcorp
Classification: Uncertain significance for Familial cancer of breast; Fanconi anemia complementation group J. Last evaluated: 2024-06-06. Review status: criteria provided, single submitter. Criteria: Invitae Variant Classification Sherloc (09022015). Collection method: clinical testing. Allele origin: germline.
Comment: This sequence change replaces valine, which is neutral and non-polar, with methionine, which is neutral and non-polar, at codon 984 of the BRIP1 protein (p.Val984Met). This variant is not present in population databases (gnomAD no frequency). This variant has not been reported in the literature in individuals affected with BRIP1-related conditions. ClinVar contains an entry for this variant (Variation ID: 859232). An algorithm developed to predict the effect of missense changes on protein structure and function (PolyPhen-2) suggests that this variant is likely to be tolerated. In summary, the available evidence is currently insufficient to determine the role of this variant in disease. Therefore, it has been classified as a Variant of Uncertain Significance.

Ambry Genetics
Classification: Uncertain significance for Hereditary cancer-predisposing syndrome. Last evaluated: 2021-10-08. Review status: criteria provided, single submitter. Criteria: Ambry Variant Classification Scheme 2023. Collection method: clinical testing. Allele origin: germline.
Comment: The p.V984M variant (also known as c.2950G>A), located in coding exon 19 of the BRIP1 gene, results from a G to A substitution at nucleotide position 2950. The valine at codon 984 is replaced by methionine, an amino acid with highly similar properties. This amino acid position is conserved. In addition, this alteration is predicted to be tolerated by in silico analysis. Since supporting evidence is limited at this time, the clinical significance of this alteration remains unclear.

NM_032043.3(BRIP1):c.2950G>A (p.Val984Met)

Gene: BRIP1 (BRCA1 interacting DNA helicase 1; minus strand). Cytogenetic location: 17q23.2.
Variant type: single nucleotide variant.
Coding change: c.2950G>A on transcript NM_032043.3 (MANE Select); coding-DNA position 2950, G replaced by A.
Protein change: p.Val984Met; replaces valine 984 with methionine.
Molecular consequence: missense variant.
Genome position (GRCh38, 1-based): chr17:61,684,096, C>T on the plus strand (G>A on the coding strand, the complement: BRIP1 is on the minus strand). VCF-style: chr17-61684096-C-T. GRCh37 (hg19) VCF-style: chr17-59761457-C-T.
Other names: short protein forms V984M.
Identifiers: ClinVar variation 859232 (VCV000859232.13), dbSNP rs2061325330, ClinGen allele CA400480681.